The following is an entry in ClinVar:

NM_206933.4(USH2A):c.13210_13219del (p.Leu4404fs)

Gene: USH2A (usherin; minus strand). Cytogenetic location: 1q41.
Variant type: Deletion.
Coding change: c.13210_13219del on transcript NM_206933.4 (MANE Select); coding-DNA positions 13210 to 13219, 10 bases deleted (CTGTGCCTGC; older notation c.13210_13219delCTGTGCCTGC).
Protein change: p.Leu4404fs; shifts the reading frame from leucine 4404.
Molecular consequence: frameshift variant.
Genome position (GRCh38, 1-based): chr1:215,674,692-215,674,701, GCAGGCACAG deleted on the plus strand (CTGTGCCTGC on the coding strand, the reverse complement: USH2A is on the minus strand); deleting any 10 consecutive bases within chr1:215,674,692-215,674,703 gives the same sequence; the c. name uses the placement nearest the transcript's 3' end. VCF-style (leftmost placement, unchanged base first): chr1-215674691-AGCAGGCACAG-A. GRCh37 (hg19) VCF-style: chr1-215848033-AGCAGGCACAG-A.
Other names: short protein forms L4404fs.
Identifiers: ClinVar variation 4087783 (VCV004087783.1).
Genomic context (GRCh38, chr1:215,674,691, plus strand): 5'-CCATTCGTGCAGGCTACAAGGGAGAAGTTATACTGAGAGTAAGGCTGCAGGTGGGAAACC[AGCAGGCACAG>A]GCCCTGGCCAGCAAGGGACTCTTTATTATCATATCTAACTAAATATTTAGTAATCTTTCC-3'

ClinVar aggregate classification (germline): Pathogenic (1 of 4 stars; one submission).

Conditions:
Monogenic hearing loss.

Submission:

Genetics Laboratory, Great Ormond Street Hospital NHS Foundation Trust, North Thames Genomic Laboratory Hub
Classification: Pathogenic for Monogenic hearing loss. Last evaluated: 2025-08-01. Review status: criteria provided, single submitter. Criteria: ACGS Best Practice Guidelines for Variant Classification in Rare Disease 2024 v1.2. Collection method: clinical testing. Allele origin: germline. Affected: yes.
Comment: PM2_moderate, PVS1_very-strong